The following is an entry in ClinVar:

ClinVar aggregate classification (germline): Uncertain significance (1 of 4 stars; one submission).

Allele frequency attached by ClinVar (database versions not stated): gnomAD exomes below 0.00001; ExAC 0.00001.
gnomAD v4.1: 2 of 1,613,872 alleles (0.00012%); highest among the groups gnomAD compares: East Asian, 0.0045%; no homozygotes.

Submission:

Ambry Genetics
Classification: Uncertain significance. Last evaluated: 2024-11-25. Review status: criteria provided, single submitter. Criteria: Ambry Variant Classification Scheme 2023. Collection method: clinical testing. Allele origin: germline.
Comment: The p.E167D variant (also known as c.501G>C), located in coding exon 5 of the SRP72 gene, results from a G to C substitution at nucleotide position 501. The glutamic acid at codon 167 is replaced by aspartic acid, an amino acid with highly similar properties. This amino acid position is conserved. In addition, this alteration is predicted to be tolerated by in silico analysis. Based on the available evidence, the clinical significance of this variant remains unclear.

NM_006947.4(SRP72):c.501G>C (p.Glu167Asp)

Gene: SRP72 (signal recognition particle 72; plus strand). Cytogenetic location: 4q12.
Variant type: single nucleotide variant.
Coding change: c.501G>C on transcript NM_006947.4 (MANE Select); coding-DNA position 501, G replaced by C.
Protein change: p.Glu167Asp; replaces glutamic acid 167 with aspartic acid.
Molecular consequence: missense variant. On other transcripts: non-coding transcript variant (1).
Genome position (GRCh38, 1-based): chr4:56,474,282, G>C. VCF-style: chr4-56474282-G-C. GRCh37 (hg19) VCF-style: chr4-57340448-G-C.
Other names: c.501G>C, p.Glu167Asp (NM_001267722.2); short protein forms E167D.
Identifiers: ClinVar variation 3170031 (VCV003170031.2), dbSNP rs765970405, ClinGen allele CA2931090.